The following is an entry in ClinVar:

NM_019616.4(F7):c.44T>C (p.Leu15Pro)

Gene: F7 (coagulation factor VII; plus strand). Cytogenetic location: 13q34.
Variant type: single nucleotide variant.
Coding change: c.44T>C on transcript NM_019616.4 (MANE Select); coding-DNA position 44, T replaced by C.
Protein change: p.Leu15Pro; replaces leucine 15 with proline.
Molecular consequence: missense variant. On other transcripts: non-coding transcript variant (1).
Genome position (GRCh38, 1-based): chr13:113,105,885, T>C. VCF-style: chr13-113105885-T-C. GRCh37 (hg19) VCF-style: chr13-113760199-T-C.
Other names: c.44T>C, p.Leu15Pro (NM_000131.5, NM_001267554.2); short protein forms L15P.
Identifiers: ClinVar variation 4848252 (VCV004848252.1).
Genomic context (GRCh38, chr13:113,105,885, plus strand): 5'-ACTGCAGAGATTTCATCATGGTCTCCCAGGCCCTCAGGCTCCTCTGCCTTCTGCTTGGGC[T>C]TCAGGGCTGCCTGGCTGCAGGTGCGTCCGGGGAGGTTTTCTCCATAAACTTGGTGGAAGG-3'
Protein context (NP_062562.1, residues 5-25): ALRLLCLLLG[Leu15Pro]QGCLAAVFVT

ClinVar aggregate classification (germline): Uncertain significance (1 of 4 stars; one submission).

Submission:

Women's Health and Genetics/Laboratory Corporation of America, LabCorp
Classification: Uncertain significance. Last evaluated: 2026-02-18. Review status: criteria provided, single submitter. Criteria: LabCorp Variant Classification Summary - May 2015. Collection method: clinical testing. Allele origin: germline.
Comment: Variant summary: F7 c.44T>C (p.Leu15Pro) results in a non-conservative amino acid change in the encoded protein sequence. Algorithms developed to predict the effect of missense changes on protein structure and function are either unavailable or do not agree on the potential impact of this missense change. The variant was absent in 215050 control chromosomes (gnomAD). The available data on variant occurrences in the general population are insufficient to allow any conclusion about variant significance. c.44T>C has been observed in individuals affected with Congenital factor VII deficiency (Preisler_2024). The report does not provide unequivocal conclusions about association of the variant with Congenital factor VII deficiency. To our knowledge, no experimental evidence demonstrating an impact on protein function has been reported. The following publication have been ascertained in the context of this evaluation (PMID: 38397060). No submitters have cited clinical-significance assessments for this variant to ClinVar. Based on the evidence outlined above, the variant was classified as uncertain significance.

Literature cited by the submitters: PubMed 38397060.